The following is an entry in ClinVar:

NM_001029883.3(PCARE):c.2374C>G (p.Leu792Val)

Gene: PCARE (photoreceptor cilium actin regulator; minus strand). Cytogenetic location: 2p23.2.
Variant type: single nucleotide variant.
Coding change: c.2374C>G on transcript NM_001029883.3 (MANE Select); coding-DNA position 2374, C replaced by G.
Protein change: p.Leu792Val; replaces leucine 792 with valine.
Molecular consequence: missense variant.
Genome position (GRCh38, 1-based): chr2:29,071,888, G>C on the plus strand (C>G on the coding strand, the complement: PCARE is on the minus strand). VCF-style: chr2-29071888-G-C. GRCh37 (hg19) VCF-style: chr2-29294754-G-C.
Other names: short protein forms L792V.
Identifiers: ClinVar variation 287769 (VCV000287769.21), dbSNP rs17744093, ClinGen allele CA1592214.
Genomic context (GRCh38, chr2:29,071,888, plus strand): 5'-CTGCTTTAGGCAGAGGGGGAAAGATAGGTGCTAAGGGCTTCCAGCCTATGCCCATTTTGA[G>C]AGATTCTCTGCCTGATGCTGGAGAAATTTGGGGCTTCGGATACAAAGGGGCAAGCCCTGT-3'
Protein context (NP_001025054.1, residues 782-802): QISPASGRES[Leu792Val]KMGIGWKPLA

ClinVar aggregate classification (germline): Benign. Review status: criteria provided, multiple submitters, no conflicts (2 of 4 stars). 6 submissions from 6 submitters: Benign (6). Last evaluated 2026-02-03.

Conditions:
Retinitis pigmentosa 54 (RP54). Identifiers: Orphanet 791, MedGen C3150691, MONDO:0013263, OMIM 613428.
Retinal dystrophy. Also called: Inherited retinal dystrophy. Identifiers: Orphanet 71862, MedGen C0854723, MeSH D058499, MONDO:0019118, HP:0000556.
Retinitis pigmentosa (RP). Identifiers: Orphanet 791, MedGen C0035334, MeSH D012174, MONDO:0019200, OMIM 268000. Inheritance: Autosomal dominant, autosomal recessive and X linked inheritance.

Allele frequency attached by ClinVar (database versions not stated): ExAC 0.17044; 1000 Genomes Project 30x 0.12461; 1000 Genomes Project 0.12500; gnomAD 0.15805 and 0.15871; TOPMed 0.16188; gnomAD exomes 0.16892 and 0.20581; ESP Exome Variant Server 0.17511.
gnomAD v4.1: 324,948 of 1,614,074 alleles (20%); highest among the groups gnomAD compares: Non-Finnish European, 23%; 35,156 homozygotes.

Submissions (6):

Labcorp Genetics (formerly Invitae), Labcorp
Classification: Benign. Last evaluated: 2026-02-03. Review status: criteria provided, single submitter. Criteria: Invitae Variant Classification Sherloc (09022015). Collection method: clinical testing. Allele origin: germline.

Dept Of Ophthalmology, Nagoya University
Classification: Benign for Retinal dystrophy. Last evaluated: 2023-10-01. Review status: criteria provided, single submitter. Criteria: Submitter's publication. Collection method: research. Allele origin: germline. Affected: yes.

Genome-Nilou Lab
Classification: Benign for Retinitis pigmentosa 54. Last evaluated: 2021-07-14. Review status: criteria provided, single submitter. Criteria: ACMG Guidelines, 2015. Collection method: clinical testing. Allele origin: germline. Affected: no.

Illumina Laboratory Services, Illumina
Classification: Benign for Retinitis pigmentosa. Last evaluated: 2018-01-12. Review status: criteria provided, single submitter. Criteria: ICSL Variant Classification Criteria 13 December 2019. Collection method: clinical testing. Allele origin: germline.
Comment: This variant was observed in the ICSL laboratory as part of a predisposition screen in an ostensibly healthy population. It had not been previously curated by ICSL or reported in the Human Gene Mutation Database (HGMD: prior to June 1st, 2018), and was therefore a candidate for classification through an automated scoring system. Utilizing variant allele frequency, disease prevalence and penetrance estimates, and inheritance mode, an automated score was calculated to assess if this variant is too frequent to cause the disease. Based on the score and internal cut-off values, a variant classified as benign is not then subjected to further curation. The score for this variant resulted in a classification of benign for this disease.

Eurofins Ntd Llc (ga)
Classification: Benign. Last evaluated: 2016-05-24. Review status: criteria provided, single submitter. Criteria: EGL Classification Definitions 2015. Collection method: clinical testing. Allele origin: germline. Observed: 2 variant alleles, 2 heterozygotes.

Breakthrough Genomics
Classification: Benign. Review status: criteria provided, single submitter. Criteria: ACMG Guidelines, 2015. Collection method: not provided. Allele origin: germline. Inheritance: Unknown mechanism. Affected: yes.